The following is an entry in ClinVar:

NM_001384140.1(PCDH15):c.1244C>T (p.Ser415Leu)

Gene: PCDH15 (protocadherin related 15; minus strand). Cytogenetic location: 10q21.1.
Variant type: single nucleotide variant.
Coding change: c.1244C>T on transcript NM_001384140.1 (MANE Select); coding-DNA position 1244, C replaced by T.
Protein change: p.Ser415Leu; replaces serine 415 with leucine.
Molecular consequence: missense variant.
Genome position (GRCh38, 1-based): chr10:54,195,744, G>A on the plus strand (C>T on the coding strand, the complement: PCDH15 is on the minus strand). VCF-style: chr10-54195744-G-A. GRCh37 (hg19) VCF-style: chr10-55955504-G-A.
Other names: c.1259C>T, p.Ser420Leu (NM_001142763.2, NM_001142769.4, NM_001142771.2); c.1244C>T, p.Ser415Leu (NM_001142764.2, NM_001142765.2, NM_001142766.2 and 7 more transcripts); c.1133C>T, p.Ser378Leu (NM_001142767.2); c.1178C>T, p.Ser393Leu (NM_001142768.2, NM_001142773.2, NM_001354404.2); short protein forms S415L, S378L, S420L, S393L.
Identifiers: ClinVar variation 955944 (VCV000955944.9), dbSNP rs747154146, ClinGen allele CA5506458.

ClinVar aggregate classification (germline): Uncertain significance. Review status: criteria provided, single submitter (1 of 4 stars). 2 submissions from 2 submitters: Uncertain significance (1). 1 of the submissions does not count toward it. Last evaluated 2024-12-02.

Conditions:
Usher syndrome type 1F (USH1F). Also called: USHER SYNDROME, TYPE IF. Identifiers: Orphanet 231169, Orphanet 886, MedGen C1865885, MONDO:0011186, OMIM 602083.

Allele frequency attached by ClinVar (database versions not stated): gnomAD exomes below 0.00001 and 0.00001; TOPMed below 0.00001; ExAC 0.00001.
gnomAD v4.1: 1 of 1,614,056 alleles (0.000062%); highest among the groups gnomAD compares: Non-Finnish European, 0.000085%; no homozygotes.

Submissions (2):

Labcorp Genetics (formerly Invitae), Labcorp
Classification: Uncertain significance. Last evaluated: 2024-12-02. Review status: criteria provided, single submitter. Criteria: Invitae Variant Classification Sherloc (09022015). Collection method: clinical testing. Allele origin: germline.
Comment: This sequence change replaces serine, which is neutral and polar, with leucine, which is neutral and non-polar, at codon 415 of the PCDH15 protein (p.Ser415Leu). This variant is present in population databases (rs747154146, gnomAD 0.002%). This variant has not been reported in the literature in individuals affected with PCDH15-related conditions. ClinVar contains an entry for this variant (Variation ID: 955944). Invitae Evidence Modeling of protein sequence and biophysical properties (such as structural, functional, and spatial information, amino acid conservation, physicochemical variation, residue mobility, and thermodynamic stability) indicates that this missense variant is not expected to disrupt PCDH15 protein function with a negative predictive value of 95%. In summary, the available evidence is currently insufficient to determine the role of this variant in disease. Therefore, it has been classified as a Variant of Uncertain Significance.

Natera, Inc.
Classification: Uncertain significance for Usher syndrome type 1F. Last evaluated: 2021-01-06. Review status: no assertion criteria provided. Collection method: clinical testing. Allele origin: germline. Not counted in ClinVar's aggregate classification.